The following is an entry in ClinVar:

NM_006031.6(PCNT):c.2833C>T (p.Arg945Cys)

Gene: PCNT (pericentrin; plus strand). Cytogenetic location: 21q22.3.
Variant type: single nucleotide variant.
Coding change: c.2833C>T on transcript NM_006031.6 (MANE Select); coding-DNA position 2833, C replaced by T.
Protein change: p.Arg945Cys; replaces arginine 945 with cysteine.
Molecular consequence: missense variant.
Genome position (GRCh38, 1-based): chr21:46,366,807, C>T. VCF-style: chr21-46366807-C-T. GRCh37 (hg19) VCF-style: chr21-47786722-C-T.
Other names: c.2479C>T, p.Arg827Cys (NM_001315529.2); short protein forms R945C, R827C.
Identifiers: ClinVar variation 211849 (VCV000211849.22), dbSNP rs147358856, ClinGen allele CA206532.
Genomic context (GRCh38, chr21:46,366,807, plus strand): 5'-GCCGCGTTGGGCGAGCTGACAGCCTCCTTAGAGAGCAAGCAGGGGGCTCTGCTGGCTGCA[C>T]GTGTGGCCGAACTGCAGACAAAACACGCTGCCGACCTCGGCGCTCTGGAGACCAGACATC-3'
Protein context (NP_006022.3, residues 935-955): ESKQGALLAA[Arg945Cys]VAELQTKHAA

ClinVar aggregate classification (germline): Conflicting classifications of pathogenicity. Review status: criteria provided, conflicting classifications (1 of 4 stars). 9 submissions from 9 submitters: Uncertain significance (6); Likely benign (3). Last evaluated 2025-12-23.

Conditions:
PCNT-related disorder. Also called: PCNT-related condition.
Inborn genetic diseases. Identifiers: MedGen C0950123, MeSH D030342.
Microcephalic osteodysplastic primordial dwarfism type II (MOPD2). Also called: MOPD II; OSTEODYSPLASTIC PRIMORDIAL DWARFISM, TYPE II; Microcephalic osteodysplastic primordial dwarfism with tooth abnormalities. Identifiers: Orphanet 2637, MedGen C0432246, MONDO:0008872, OMIM 210720.

Allele frequency attached by ClinVar (database versions not stated): 1000 Genomes Project 30x 0.00031; TOPMed 0.00037; 1000 Genomes Project 0.00040; gnomAD 0.00043 and 0.00048; gnomAD exomes 0.00050 and 0.00057; ExAC 0.00053; ESP Exome Variant Server 0.00077.
gnomAD v4.1: 903 of 1,613,806 alleles (0.056%); highest among the groups gnomAD compares: Non-Finnish European, 0.068%; no homozygotes.

Submissions (9):

PreventionGenetics, part of Exact Sciences
Classification: Likely benign for PCNT-related condition. Last evaluated: 2025-12-23. Review status: criteria provided, single submitter. Criteria: ACMG Guidelines, 2015. Collection method: clinical testing. Allele origin: germline.
Comment: This variant is classified as likely benign based on ACMG/AMP sequence variant interpretation guidelines (Richards et al. 2015 PMID: 25741868, with internal and published modifications).

Blueprint Genetics
Classification: Likely benign. Last evaluated: 2024-11-26. Review status: criteria provided, single submitter. Criteria: ACMG Guidelines, 2015. Collection method: clinical testing. Allele origin: germline.

3billion
Classification: Likely benign for Microcephalic osteodysplastic primordial dwarfism type II. Last evaluated: 2024-09-20. Review status: criteria provided, single submitter. Criteria: ACMG Guidelines, 2015. Collection method: clinical testing. Allele origin: germline. Affected: no.
Comment: The homozygous variant was found in patients diagnosed with another variant in a different gene, with no symptoms related to the gene containing the homozygous variant.

Labcorp Genetics (formerly Invitae), Labcorp
Classification: Uncertain significance. Last evaluated: 2022-10-13. Review status: criteria provided, single submitter. Criteria: Invitae Variant Classification Sherloc (09022015). Collection method: clinical testing. Allele origin: germline.
Comment: This sequence change replaces arginine, which is basic and polar, with cysteine, which is neutral and slightly polar, at codon 945 of the PCNT protein (p.Arg945Cys). This variant is present in population databases (rs147358856, gnomAD 0.08%), and has an allele count higher than expected for a pathogenic variant. This variant has not been reported in the literature in individuals affected with PCNT-related conditions. ClinVar contains an entry for this variant (Variation ID: 211849). Algorithms developed to predict the effect of missense changes on protein structure and function are either unavailable or do not agree on the potential impact of this missense change (SIFT: "Tolerated"; PolyPhen-2: "Possibly Damaging"; Align-GVGD: "Class C15"). In summary, the available evidence is currently insufficient to determine the role of this variant in disease. Therefore, it has been classified as a Variant of Uncertain Significance.

Ambry Genetics
Classification: Uncertain significance for Inborn genetic diseases. Last evaluated: 2021-09-17. Review status: criteria provided, single submitter. Criteria: Ambry Variant Classification Scheme 2023. Collection method: clinical testing. Allele origin: germline.

GeneDx
Classification: Uncertain significance. Last evaluated: 2020-06-19. Review status: criteria provided, single submitter. Criteria: GeneDx Variant Classification Process June 2021. Collection method: clinical testing. Allele origin: germline. Affected: yes.
Comment: In silico analysis supports that this missense variant has a deleterious effect on protein structure/function; Missense variant in a gene in which most reported pathogenic variants are truncating/loss-of-function; Has not been previously published as pathogenic or benign to our knowledge

Illumina Laboratory Services, Illumina
Classification: Uncertain significance for Microcephalic osteodysplastic primordial dwarfism type II. Last evaluated: 2018-01-13. Review status: criteria provided, single submitter. Criteria: ICSL Variant Classification Criteria 13 December 2019. Collection method: clinical testing. Allele origin: germline.

Eurofins Ntd Llc (ga)
Classification: Uncertain significance. Last evaluated: 2016-05-17. Review status: criteria provided, single submitter. Criteria: EGL Classification Definitions 2015. Collection method: clinical testing. Allele origin: germline. Observed: 1 variant allele, 1 heterozygote.

Genetic Services Laboratory, University of Chicago
Classification: Uncertain significance. Last evaluated: 2014-12-29. Review status: criteria provided, single submitter. Criteria: ACMG Guidelines, 2015. Collection method: clinical testing. Allele origin: germline.